The following continues an entry in ClinVar:

NM_000059.4(BRCA2):c.5290_5291del (p.Ser1764fs)

Gene: BRCA2. ClinVar aggregate classification (germline): Pathogenic. Pathogenic (1).

Submissions 10 to 17 of 17:

Color Diagnostics, LLC DBA Color Health
Classification: Pathogenic for Hereditary cancer-predisposing syndrome. Last evaluated: 2020-12-01. Review status: criteria provided, single submitter. Criteria: ACMG Guidelines, 2015. Collection method: clinical testing. Allele origin: germline. Not counted in ClinVar's aggregate classification.
Comment: This variant deletes 2 nucleotides in exon 11 of the BRCA2 gene, creating a frameshift and premature translation stop signal. This variant is expected to result in an absent or non-functional protein product. To our knowledge, functional studies have not been reported for this variant. This variant has been reported in individuals affected with ovarian cancer (PMID: 11972384, 24728189, 24504028, 30078507). This variant has been identified in 1/250306 chromosomes in the general population by the Genome Aggregation Database (gnomAD). Loss of BRCA2 function is a known mechanism of disease. Based on the available evidence, this variant is classified as Pathogenic.

Laboratory for Molecular Medicine, Mass General Brigham Personalized Medicine
Classification: Pathogenic for Hereditary breast ovarian cancer syndrome. Last evaluated: 2019-10-14. Review status: criteria provided, single submitter. Criteria: ACMG Guidelines, 2015. Collection method: clinical testing. Allele origin: germline. Not counted in ClinVar's aggregate classification.
Comment: The p.Ser1764LysfsX3 variant in BRCA2 has been reported in at least 5 individuals with breast or ovarian cancer (Reedy 2002, de Juan Jiménez 2013, Cunningham 2014, Song 2014, BIC database). It has also been identified in 1/113118 European chromosomes by gnomAD; however, this frequency is low enough to be consistent with the frequency of hereditary breast and ovarian cancer (HBOC) in the general population. This variant is predicted to cause a frameshift, which alters the protein’s amino acid sequence beginning at position 1764 and leads to a premature termination codon 3 amino acids downstream. This alteration is then predicted to lead to a truncated or absent protein. Loss of function of the BRCA2 gene is an established disease mechanism in autosomal dominant hereditary breast and ovarian cancer syndrome (HBOC). Additionally, this variant was classified as Pathogenic on Sept 8 2016 by the ClinGen-approved ENIGMA expert panel (Variation ID: 37956). In summary, this variant meets criteria to be classified as pathogenic for autosomal dominant HBOC. ACMG/AMP Criteria applied: PVS1, PM2, PS4_Moderate.

Consortium of Investigators of Modifiers of BRCA1/2 (CIMBA), c/o University of Cambridge
Classification: Pathogenic for Breast-ovarian cancer, familial, susceptibility to, 2. Last evaluated: 2015-10-02. Review status: criteria provided, single submitter. Criteria: CIMBA Mutation Classification guidelines May 2016. Collection method: clinical testing. Allele origin: germline. Not counted in ClinVar's aggregate classification.

Counsyl
Classification: Pathogenic for Breast-ovarian cancer, familial, susceptibility to, 2. Last evaluated: 2016-05-12. Review status: no assertion criteria provided. Collection method: clinical testing. Allele origin: unknown. Not counted in ClinVar's aggregate classification.

Research Molecular Genetics Laboratory, Women's College Hospital, University of Toronto
Classification: Pathogenic for Hereditary breast ovarian cancer syndrome. Last evaluated: 2014-01-31. Review status: no assertion criteria provided. Collection method: research. Allele origin: germline. Affected: yes. Study: The Canadian Open Genetics Repository (COGR). Not counted in ClinVar's aggregate classification.

Sharing Clinical Reports Project (SCRP)
Classification: Pathogenic for Breast-ovarian cancer, familial 2. Last evaluated: 2011-09-09. Review status: no assertion criteria provided. Collection method: clinical testing. Allele origin: germline. Not counted in ClinVar's aggregate classification.

Breast Cancer Information Core (BIC) (BRCA2)
Classification: Pathogenic for Breast-ovarian cancer, familial 2. Last evaluated: 2004-02-20. Review status: no assertion criteria provided. Collection method: clinical testing. Allele origin: germline. Affected: yes. Observed: 2 variant alleles. Not counted in ClinVar's aggregate classification.

Department of Pathology and Laboratory Medicine, Sinai Health System
Classification: Pathogenic. Review status: no assertion criteria provided. Collection method: clinical testing. Allele origin: unknown. Affected: yes. Study: The Canadian Open Genetics Repository (COGR). Not counted in ClinVar's aggregate classification.
Comment: The BRCA2, p.Ser1764LysfsX3 variant was identified in 1 of 52 proband chromosomes (frequency: 0.02) from individuals or families with ovarian cancer (Reedy 2002). The variant was also identified in dbSNP (ID: rs80359503) as â€šÃ„ÃºWith Pathogenic alleleâ€šÃ„Ã¹, Clinvitae database (classified as pathogenic by ClinVar), ARUP Laboratories BRCA Mutations Database (classified as definitely pathogenic), the BIC database (2X with clinical importance), and UMD (1X with a â€šÃ„Ãºcausalâ€šÃ„Ã¹ classification). The c.5290_5291del variant is predicted to cause a frameshift, which alters the protein's amino acid sequence beginning at codon 1764 and leads to a premature stop codon 3 codons downstream. This alteration is then predicted to result in a truncated or absent protein and loss of function. Loss of function variants of the BRCA2 gene are an established mechanism of disease in hereditary breast and ovarian cancer and is the type of variant expected to cause the disorder. In summary, based on the above information, this variant meets our laboratoryâ€šÃ„Ã´s criteria to be classified as pathogenic.

Literature cited by the submitters: PubMed 20104584 (cited by Labcorp Genetics (formerly Invitae), Labcorp); PubMed 11972384 (cited by 6 submitters); PubMed 23479189 (cited by 6 submitters); PubMed 24504028 (cited by 6 submitters); PubMed 12655515 (cited by 3 submitters); PubMed 15131399 (cited by 3 submitters); PubMed 24728189 (cited by 4 submitters); PubMed 29446198 (cited by 3 submitters); PubMed 32125938 (cited by Ambry Genetics); PubMed 30078507 (cited by Women's Health and Genetics/Laboratory Corporation of America, LabCorp and Quest Diagnostics Nichols Institute San Juan Capistrano); PubMed 33471991 (cited by Women's Health and Genetics/Laboratory Corporation of America, LabCorp and Quest Diagnostics Nichols Institute San Juan Capistrano); PubMed 33087929 (cited by Quest Diagnostics Nichols Institute San Juan Capistrano).